The following is an entry in ClinVar:

ClinVar aggregate classification (germline): Conflicting classifications of pathogenicity. Review status: criteria provided, conflicting classifications (1 of 4 stars). 2 submissions from 2 submitters: Uncertain significance (1); Likely benign (1). Last evaluated 2023-10-30.

Conditions:
Inborn genetic diseases. Identifiers: MedGen C0950123, MeSH D030342.

Allele frequency attached by ClinVar (database versions not stated): gnomAD 0.00001; ExAC 0.00002; gnomAD exomes 0.00004; TOPMed 0.00004.
gnomAD v4.1: 52 of 1,613,772 alleles (0.0032%); highest among the groups gnomAD compares: Middle Eastern, 0.016%; no homozygotes.

Submissions (2):

Ambry Genetics
Classification: Likely benign for Inborn genetic diseases. Last evaluated: 2023-10-30. Review status: criteria provided, single submitter. Criteria: Ambry Variant Classification Scheme 2023. Collection method: clinical testing. Allele origin: germline.

Labcorp Genetics (formerly Invitae), Labcorp
Classification: Uncertain significance. Last evaluated: 2022-04-24. Review status: criteria provided, single submitter. Criteria: Invitae Variant Classification Sherloc (09022015). Collection method: clinical testing. Allele origin: germline.
Comment: This sequence change replaces alanine, which is neutral and non-polar, with valine, which is neutral and non-polar, at codon 1180 of the MYO5B protein (p.Ala1180Val). This variant is present in population databases (rs561941052, gnomAD 0.03%). This variant has not been reported in the literature in individuals affected with MYO5B-related conditions. Algorithms developed to predict the effect of missense changes on protein structure and function output the following: SIFT: "Tolerated"; PolyPhen-2: "Benign"; Align-GVGD: "Class C0". The valine amino acid residue is found in multiple mammalian species, which suggests that this missense change does not adversely affect protein function. In summary, the available evidence is currently insufficient to determine the role of this variant in disease. Therefore, it has been classified as a Variant of Uncertain Significance.

NM_001080467.3(MYO5B):c.3539C>T (p.Ala1180Val)

Gene: MYO5B (myosin VB; minus strand). Cytogenetic location: 18q21.1.
Variant type: single nucleotide variant.
Coding change: c.3539C>T on transcript NM_001080467.3 (MANE Select); coding-DNA position 3539, C replaced by T.
Protein change: p.Ala1180Val; replaces alanine 1180 with valine.
Molecular consequence: missense variant.
Genome position (GRCh38, 1-based): chr18:49,872,231, G>A on the plus strand (C>T on the coding strand, the complement: MYO5B is on the minus strand). VCF-style: chr18-49872231-G-A. GRCh37 (hg19) VCF-style: chr18-47398601-G-A.
Other names: c.3539C>T (NM_001080467.2); short protein forms A1180V.
Identifiers: ClinVar variation 2190867 (VCV002190867.2), dbSNP rs561941052, ClinGen allele CA8960673.